The following is an entry in ClinVar:

ClinVar aggregate classification (germline): Benign/Likely benign. Review status: criteria provided, multiple submitters, no conflicts (2 of 4 stars). 9 submissions from 9 submitters: Benign (3); Likely benign (5). 1 of the submissions does not count toward it. Last evaluated 2025-11-25.

Conditions:
Tuberous sclerosis 2 (TSC2). Identifiers: Orphanet 805, MedGen C1860707, MONDO:0013199, OMIM 613254.
Hereditary cancer-predisposing syndrome. Also called: Neoplastic Syndromes, Hereditary; Tumor predisposition; Hereditary Cancer Syndrome; Hereditary neoplastic syndrome. Identifiers: Orphanet 140162, MedGen C0027672, MeSH D009386, MONDO:0015356.
Tuberous sclerosis syndrome (TSC). Also called: Tuberous Sclerosis Complex; Tuberous sclerosis. Identifiers: Orphanet 805, MedGen C0041341, MONDO:0001734.

Allele frequency attached by ClinVar (database versions not stated): gnomAD exomes 0.00001; ExAC 0.00002; TOPMed 0.00002; gnomAD 0.00003; ESP Exome Variant Server 0.00008.
gnomAD v4.1: 20 of 1,612,152 alleles (0.0012%); highest among the groups gnomAD compares: African/African-American, 0.0027%; no homozygotes.

Submissions (9):

Labcorp Genetics (formerly Invitae), Labcorp
Classification: Likely benign for Tuberous sclerosis 2. Last evaluated: 2025-11-25. Review status: criteria provided, single submitter. Criteria: Invitae Variant Classification Sherloc (09022015). Collection method: clinical testing. Allele origin: germline.

Myriad Genetics, Inc.
Classification: Benign for Tuberous sclerosis 2. Last evaluated: 2025-06-03. Review status: criteria provided, single submitter. Criteria: Myriad Autosomal Dominant, Autosomal Recessive and X-Linked Classification Criteria (2023). Collection method: clinical testing. Allele origin: unknown.
Comment: This variant is considered benign. This variant is a silent/synonymous amino acid change and it is not expected to impact splicing.

KCCC/NGS Laboratory, Kuwait Cancer Control Center
Classification: Benign for Tuberous sclerosis 2. Last evaluated: 2025-02-01. Review status: criteria provided, single submitter. Criteria: ACMG Guidelines, 2015. Collection method: clinical testing. Allele origin: germline. Affected: no.

Color Diagnostics, LLC DBA Color Health
Classification: Likely benign for Tuberous sclerosis syndrome. Last evaluated: 2022-10-06. Review status: criteria provided, single submitter. Criteria: ACMG Guidelines, 2015. Collection method: clinical testing. Allele origin: germline.

Genome-Nilou Lab
Classification: Benign for Tuberous sclerosis 2. Last evaluated: 2021-11-07. Review status: criteria provided, single submitter. Criteria: ACMG Guidelines, 2015. Collection method: clinical testing. Allele origin: germline. Affected: no.

Sema4
Classification: Likely benign for Hereditary cancer-predisposing syndrome. Last evaluated: 2021-04-23. Review status: criteria provided, single submitter. Criteria: Sema4 Curation Guidelines. Collection method: curation. Allele origin: germline.

GeneDx
Classification: Likely benign. Last evaluated: 2021-01-07. Review status: criteria provided, single submitter. Criteria: GeneDx Variant Classification Process June 2021. Collection method: clinical testing. Allele origin: germline. Affected: yes.

Ambry Genetics
Classification: Likely benign for Hereditary cancer-predisposing syndrome. Last evaluated: 2020-10-28. Review status: criteria provided, single submitter. Criteria: Ambry Variant Classification Scheme 2023. Collection method: clinical testing. Allele origin: germline.

Tuberous sclerosis database (TSC2)
No classification provided. Condition: TSC. Review status: no classification provided. Criteria: Tuberous Sclerosis Database Assertion Criteria 2015. Collection method: curation. Allele origin: germline. Affected: yes. Not counted in ClinVar's aggregate classification.

NM_000548.5(TSC2):c.4167C>T (p.Pro1389=)

Gene: TSC2 (TSC complex subunit 2; plus strand). Cytogenetic location: 16p13.3.
Variant type: single nucleotide variant.
Coding change: c.4167C>T on transcript NM_000548.5 (MANE Select); coding-DNA position 4167, C replaced by T.
Protein change: p.Pro1389=; no amino-acid change (proline 1389 retained).
Molecular consequence: synonymous variant.
Genome position (GRCh38, 1-based): chr16:2,084,389, C>T. VCF-style: chr16-2084389-C-T. GRCh37 (hg19) VCF-style: chr16-2134390-C-T.
Other names: c.3966C>T, p.Pro1322= (NM_001077183.3); c.4098C>T, p.Pro1366= (NM_001114382.3); c.3858C>T, p.Pro1286= (NM_001318827.2); c.3822C>T, p.Pro1274= (NM_001318829.2); c.3435C>T, p.Pro1145= (NM_001318831.2); c.3999C>T, p.Pro1333= (NM_001318832.2); c.3969C>T, p.Pro1323= (NM_001363528.2); c.4035C>T, p.Pro1345= (NM_001370404.1); and 2 more.
Identifiers: ClinVar variation 50060 (VCV000050060.20), dbSNP rs45508504, ClinGen allele CA020023.
Genomic context (GRCh38, chr16:2,084,389, plus strand): 5'-GCCCTCTGTGGACCTCTCCTTCCAGCCCTCGCAGCCCCTGAGCAAGTCCAGCTCCTCTCC[C>T]GAGCTGCAGACTCTGCAGGACATCCTCGGGGACCCTGGGGACAAGGCCGACGTGGGCCGG-3'
Protein context (NP_000539.2, residues 1379-1399): SQPLSKSSSS[Pro1389=]ELQTLQDILG